The following is an entry in ClinVar:

ClinVar aggregate classification (germline): Pathogenic (1 of 4 stars; one submission).

Conditions:
Muscular dystrophy-dystroglycanopathy (congenital with brain and eye anomalies), type a, 11 (MDDGA11). Also called: WALKER-WARBURG SYNDROME OR MUSCLE-EYE-BRAIN DISEASE, B3GALNT2-RELATED; Congenital muscular dystrophy-dystroglycanopathy with brain and eye anomalies, type A11; Muscular dystrophy-dystroglycanopathy (congenital with brain and eye anomalies, type A, 11. Identifiers: Orphanet 588, Orphanet 899, MedGen C3554638, MONDO:0014071, OMIM 615181.

Submission:

Labcorp Genetics (formerly Invitae), Labcorp
Classification: Pathogenic for Muscular dystrophy-dystroglycanopathy (congenital with brain and eye anomalies), type a, 11. Last evaluated: 2024-07-19. Review status: criteria provided, single submitter. Criteria: Invitae Variant Classification Sherloc (09022015). Collection method: clinical testing. Allele origin: germline.
Comment: This sequence change creates a premature translational stop signal (p.Ser130Argfs*9) in the B3GALNT2 gene. It is expected to result in an absent or disrupted protein product. Loss-of-function variants in B3GALNT2 are known to be pathogenic (PMID: 23453667). This variant is not present in population databases (gnomAD no frequency). This variant has not been reported in the literature in individuals affected with B3GALNT2-related conditions. For these reasons, this variant has been classified as Pathogenic.

Literature cited by the submitters: PubMed 23453667.

NM_152490.5(B3GALNT2):c.388_395del (p.Ser130fs)

Gene: B3GALNT2 (beta-1,3-N-acetylgalactosaminyltransferase 2; minus strand). Cytogenetic location: 1q42.3.
Variant type: Deletion.
Coding change: c.388_395del on transcript NM_152490.5 (MANE Select); coding-DNA positions 388 to 395, 8 bases deleted (AGTCTGTC; older notation c.388_395delAGTCTGTC).
Protein change: p.Ser130fs; shifts the reading frame from serine 130.
Molecular consequence: frameshift variant.
Genome position (GRCh38, 1-based): chr1:235,484,482-235,484,489, GACAGACT deleted on the plus strand (AGTCTGTC on the coding strand, the reverse complement: B3GALNT2 is on the minus strand); deleting any 8 consecutive bases within chr1:235,484,482-235,484,491 gives the same sequence; the c. name uses the placement nearest the transcript's 3' end. VCF-style (leftmost placement, unchanged base first): chr1-235484481-GGACAGACT-G. GRCh37 (hg19) VCF-style: chr1-235647797-GGACAGACT-G.
Other names: c.511_518del, p.Ser171fs (NM_001277155.3); short protein forms S130fs, S171fs.
Identifiers: ClinVar variation 3612008 (VCV003612008.2).